The following is an entry in ClinVar:

ClinVar aggregate classification (germline): Uncertain significance. Review status: criteria provided, multiple submitters, no conflicts (2 of 4 stars). 2 submissions from 2 submitters: Uncertain significance (2). Last evaluated 2025-11-10.

Conditions:
Inborn genetic diseases. Identifiers: MedGen C0950123, MeSH D030342.
Developmental and epileptic encephalopathy, 14 (DEE14). Also called: Early infantile epileptic encephalopathy 14. Identifiers: Orphanet 293181, MedGen C3554195, MONDO:0013989, OMIM 614959.
Autosomal dominant nocturnal frontal lobe epilepsy 5. Also called: KCNT1-Related Epilepsy; Epilepsy, nocturnal frontal lobe, 5; CILIARY DYSKINESIA, PRIMARY, 28, WITHOUT SITUS INVERSUS; CILIARY DYSKINESIA, PRIMARY, 28, WITH SITUS INVERSUS. Identifiers: Orphanet 98784, MedGen C3554306, MONDO:0014002, OMIM 615005.

Allele frequency attached by ClinVar (database versions not stated): gnomAD exomes below 0.00001.
gnomAD v4.1: 1 of 1,611,950 alleles (0.000062%); highest among the groups gnomAD compares: Admixed American, 0.0017%; no homozygotes.

Submissions (2):

Labcorp Genetics (formerly Invitae), Labcorp
Classification: Uncertain significance for Autosomal dominant nocturnal frontal lobe epilepsy 5; Developmental and epileptic encephalopathy, 14. Last evaluated: 2025-11-10. Review status: criteria provided, single submitter. Criteria: Invitae Variant Classification Sherloc (09022015). Collection method: clinical testing. Allele origin: germline.
Comment: This sequence change replaces isoleucine, which is neutral and non-polar, with phenylalanine, which is neutral and non-polar, at codon 335 of the KCNT1 protein (p.Ile335Phe). This variant is present in population databases (no rsID available, gnomAD 0.003%). This variant has not been reported in the literature in individuals affected with KCNT1-related conditions. ClinVar contains an entry for this variant (Variation ID: 1716430). Invitae Evidence Modeling of protein sequence and biophysical properties (such as structural, functional, and spatial information, amino acid conservation, physicochemical variation, residue mobility, and thermodynamic stability) indicates that this missense variant is expected to disrupt KCNT1 protein function with a positive predictive value of 80%. In summary, the available evidence is currently insufficient to determine the role of this variant in disease. Therefore, it has been classified as a Variant of Uncertain Significance.

Ambry Genetics
Classification: Uncertain significance for Inborn genetic diseases. Last evaluated: 2017-06-12. Review status: criteria provided, single submitter. Criteria: Ambry Variant Classification Scheme 2023. Collection method: clinical testing. Allele origin: germline.
Comment: The p.I335F variant (also known as c.1003A>T), located in coding exon 11 of the KCNT1 gene, results from an A to T substitution at nucleotide position 1003. The isoleucine at codon 335 is replaced by phenylalanine, an amino acid with highly similar properties. This amino acid position is highly conserved in available vertebrate species. In addition, this alteration is predicted to be deleterious by in silico analysis. Since supporting evidence is limited at this time, the clinical significance of this alteration remains unclear.

NM_020822.3(KCNT1):c.1003A>T (p.Ile335Phe)

Gene: KCNT1 (potassium sodium-activated channel subfamily T member 1; plus strand). Cytogenetic location: 9q34.3.
Variant type: single nucleotide variant.
Coding change: c.1003A>T on transcript NM_020822.3 (MANE Select); coding-DNA position 1003, A replaced by T.
Protein change: p.Ile335Phe; replaces isoleucine 335 with phenylalanine.
Molecular consequence: missense variant.
Genome position (GRCh38, 1-based): chr9:135,759,827, A>T. VCF-style: chr9-135759827-A-T. GRCh37 (hg19) VCF-style: chr9-138651673-A-T.
Other names: c.868A>T, p.Ile290Phe (NM_001272003.2); short protein forms I290F, I335F.
Identifiers: ClinVar variation 1716430 (VCV001716430.8), dbSNP rs1477529193, ClinGen allele CA375498671.